The following is an entry in ClinVar:

ClinVar aggregate classification (germline): Conflicting classifications of pathogenicity. Review status: criteria provided, conflicting classifications (1 of 4 stars). 2 submissions from 2 submitters: Uncertain significance (1); Likely benign (1). Last evaluated 2025-03-27.

Conditions:
Hereditary cancer-predisposing syndrome. Also called: Hereditary neoplastic syndrome; Tumor predisposition; Hereditary Cancer Syndrome; Neoplastic Syndromes, Hereditary. Identifiers: Orphanet 140162, MedGen C0027672, MeSH D009386, MONDO:0015356.
Hereditary breast ovarian cancer syndrome. Also called: Hereditary breast and ovarian cancer syndrome; BRCA1- and BRCA2-Associated Hereditary Breast and Ovarian Cancer; Hereditary breast and ovarian cancer syndrome (HBOC); Hereditary breast and/or ovarian cancer syndrome; Hereditary breast and ovarian cancer; Breast and ovarian cancer. Identifiers: Orphanet 145, MedGen C0677776, MeSH D061325, MONDO:0003582. Disease mechanism: loss of function.

Submissions (2):

Labcorp Genetics (formerly Invitae), Labcorp
Classification: Likely benign for Hereditary breast ovarian cancer syndrome. Last evaluated: 2025-03-27. Review status: criteria provided, single submitter. Criteria: Invitae Variant Classification Sherloc (09022015). Collection method: clinical testing. Allele origin: germline.

Ambry Genetics
Classification: Uncertain significance for Hereditary cancer-predisposing syndrome. Last evaluated: 2024-08-30. Review status: criteria provided, single submitter. Criteria: Ambry Variant Classification Scheme 2023. Collection method: clinical testing. Allele origin: germline.
Comment: The c.632-5T>C intronic variant results from a T to C substitution 5 nucleotides upstream from coding exon 7 in the BRCA2 gene. This nucleotide position is well conserved in available vertebrate species. In silico splice site analysis for this alteration is inconclusive. Based on the available evidence, the clinical significance of this variant remains unclear.

NM_000059.4(BRCA2):c.632-5T>C

Gene: BRCA2 (BRCA2 DNA repair associated; plus strand). Cytogenetic location: 13q13.1.
Variant type: single nucleotide variant.
Coding change: c.632-5T>C on transcript NM_000059.4 (MANE Select); 5 bases into the intron before coding-DNA position 632, T replaced by C.
Molecular consequence: intron variant.
Genome position (GRCh38, 1-based): chr13:32,329,438, T>C. VCF-style: chr13-32329438-T-C. GRCh37 (hg19) VCF-style: chr13-32903575-T-C.
Other names: c.632-5T>C (NM_000059.3).
Identifiers: ClinVar variation 2126178 (VCV002126178.5), dbSNP rs2548516947, ClinGen allele CA2580087047.